The following is an entry in ClinVar:

NC_000007.13:g.(?_105173265)_(105187786_?)dup

Gene: RINT1 (RAD50 interactor 1; plus strand). Cytogenetic location: 7q22.3.
Variant type: Duplication.
Identifiers: ClinVar variation 1023836 (VCV001023836.8).

ClinVar aggregate classification (germline): Likely pathogenic (1 of 4 stars; one submission).

Submission:

Labcorp Genetics (formerly Invitae), Labcorp
Classification: Likely pathogenic. Last evaluated: 2022-10-03. Review status: criteria provided, single submitter. Criteria: Invitae Variant Classification Sherloc (09022015). Collection method: clinical testing. Allele origin: germline.
Comment: In summary, the currently available evidence indicates that the variant is pathogenic, but additional data are needed to prove that conclusively. Therefore, this variant has been classified as Likely Pathogenic. This variant has not been reported in the literature in individuals affected with RINT1-related conditions. This variant results in a copy number gain of the genomic region encompassing exon(s) 2-6 of the RINT1 gene. While the exact position of this variant cannot be determined from the data, sub-genic copy number gains are generally in tandem (PMID: 25640679). This variant is predicted to be out-of-frame, and may result in an absent or disrupted protein product. Loss-of-function variants in RINT1 are known to be pathogenic (PMID: 31204009).

Literature cited by the submitters: PubMed 25640679; PubMed 31204009.